The following is an entry in ClinVar:

NR_002757.3(RNU5B-1):n.38C>T

Genes: RNU5B-1 (RNA, U5B small nuclear 1; plus strand), LOC130057317 (ATAC-STARR-seq lymphoblastoid silent region 6555; plus strand). Cytogenetic location: 15q22.31.
Variant type: single nucleotide variant.
Molecular consequence: non-coding transcript variant (on NR_002757.3).
Genome position: GRCh38 VCF-style: chr15-65304714-C-T. GRCh37 (hg19) VCF-style: chr15-65597052-C-T.
Identifiers: ClinVar variation 3770163 (VCV003770163.1).

ClinVar aggregate classification (germline): Uncertain significance (1 of 4 stars; one submission).

gnomAD v4.1: 1 of 152,138 alleles (0.00066%); no homozygotes.

Submission:

Institute for Human Genetics, University Hospital Essen
Classification: Uncertain significance. Last evaluated: 2005-03-05. Review status: criteria provided, single submitter. Criteria: ACMG Guidelines, 2015. Collection method: clinical testing. Allele origin: unknown. Affected: yes.
Comment: PM2_supp